The following is an entry in ClinVar:

NM_020745.4(AARS2):c.368G>T (p.Arg123Leu)

Gene: AARS2 (alanyl-tRNA synthetase 2, mitochondrial; minus strand). Cytogenetic location: 6p21.1.
Variant type: single nucleotide variant.
Coding change: c.368G>T on transcript NM_020745.4 (MANE Select); coding-DNA position 368, G replaced by T.
Protein change: p.Arg123Leu; replaces arginine 123 with leucine.
Molecular consequence: missense variant.
Genome position (GRCh38, 1-based): chr6:44,312,139, C>A on the plus strand (G>T on the coding strand, the complement: AARS2 is on the minus strand). VCF-style: chr6-44312139-C-A. GRCh37 (hg19) VCF-style: chr6-44279876-C-A.
Other names: short protein forms R123L.
Identifiers: ClinVar variation 1361507 (VCV001361507.8), dbSNP rs745761471, ClinGen allele CA3834674.

ClinVar aggregate classification (germline): Uncertain significance. Review status: criteria provided, multiple submitters, no conflicts (2 of 4 stars). 3 submissions from 3 submitters: Uncertain significance (3). Last evaluated 2022-08-17.

Conditions:
Inborn genetic diseases. Identifiers: MedGen C0950123, MeSH D030342.

Allele frequency attached by ClinVar (database versions not stated): gnomAD 0.00001.
gnomAD v4.1: 75 of 1,614,142 alleles (0.0046%); highest among the groups gnomAD compares: Non-Finnish European, 0.0064%; no homozygotes.

Submissions (3):

Ambry Genetics
Classification: Uncertain significance for Inborn genetic diseases. Last evaluated: 2022-08-17. Review status: criteria provided, single submitter. Criteria: Ambry Variant Classification Scheme 2023. Collection method: clinical testing. Allele origin: germline.

Labcorp Genetics (formerly Invitae), Labcorp
Classification: Uncertain significance. Last evaluated: 2022-07-26. Review status: criteria provided, single submitter. Criteria: Invitae Variant Classification Sherloc (09022015). Collection method: clinical testing. Allele origin: germline.
Comment: This sequence change replaces arginine, which is basic and polar, with leucine, which is neutral and non-polar, at codon 123 of the AARS2 protein (p.Arg123Leu). This variant is present in population databases (rs745761471, gnomAD 0.009%). This variant has not been reported in the literature in individuals affected with AARS2-related conditions. ClinVar contains an entry for this variant (Variation ID: 1361507). Advanced modeling of protein sequence and biophysical properties (such as structural, functional, and spatial information, amino acid conservation, physicochemical variation, residue mobility, and thermodynamic stability) performed at Invitae indicates that this missense variant is expected to disrupt AARS2 protein function. Algorithms developed to predict the effect of sequence changes on RNA splicing suggest that this variant may create or strengthen a splice site. In summary, the available evidence is currently insufficient to determine the role of this variant in disease. Therefore, it has been classified as a Variant of Uncertain Significance.

Revvity Omics, Revvity
Classification: Uncertain significance. Last evaluated: 2021-10-25. Review status: criteria provided, single submitter. Criteria: ACMG Guidelines, 2015. Collection method: clinical testing. Allele origin: germline.